The following is an entry in ClinVar:

NM_007194.4(CHEK2):c.1092A>G (p.Ile364Met)

Gene: CHEK2 (checkpoint kinase 2; minus strand). Cytogenetic location: 22q12.1.
Variant type: single nucleotide variant.
Coding change: c.1092A>G on transcript NM_007194.4 (MANE Select); coding-DNA position 1092, A replaced by G.
Protein change: p.Ile364Met; replaces isoleucine 364 with methionine.
Molecular consequence: missense variant. On other transcripts: intron variant (3).
Genome position (GRCh38, 1-based): chr22:28,696,904, T>C on the plus strand (A>G on the coding strand, the complement: CHEK2 is on the minus strand). VCF-style: chr22-28696904-T-C. GRCh37 (hg19) VCF-style: chr22-29092892-T-C.
Other names: c.1221A>G, p.Ile407Met (NM_001005735.3); c.429A>G, p.Ile143Met (NM_001257387.3, NM_001437942.1); c.891A>G, p.Ile297Met (NM_001349956.3); c.1185A>G, p.Ile395Met (NM_001438293.1); c.1009-1031A>G (NM_145862.3); c.1102-1031A>G (NM_001438295.1); c.1138-1031A>G (NM_001438294.1); short protein forms I143M, I297M, I364M, I407M, I395M.
Identifiers: ClinVar variation 3226016 (VCV003226016.2), dbSNP rs2517820088, ClinGen allele CA411097445.

ClinVar aggregate classification (germline): Uncertain significance. Review status: criteria provided, multiple submitters, no conflicts (2 of 4 stars). 2 submissions from 2 submitters: Uncertain significance (2). Last evaluated 2025-07-08.

Conditions:
Hereditary cancer-predisposing syndrome. Also called: Neoplastic Syndromes, Hereditary; Tumor predisposition; Hereditary neoplastic syndrome; Hereditary Cancer Syndrome. Identifiers: Orphanet 140162, MedGen C0027672, MeSH D009386, MONDO:0015356.
Familial cancer of breast. Also called: BREAST CANCER, FAMILIAL; Hereditary breast cancer; hereditary breast carcinoma. Identifiers: Orphanet 227535, MedGen C0346153, MONDO:0016419, OMIM 114480. Disease mechanism: loss of function.

Submissions (2):

Labcorp Genetics (formerly Invitae), Labcorp
Classification: Uncertain significance for Familial cancer of breast. Last evaluated: 2025-07-08. Review status: criteria provided, single submitter. Criteria: Invitae Variant Classification Sherloc (09022015). Collection method: clinical testing. Allele origin: germline.
Comment: This sequence change replaces isoleucine, which is neutral and non-polar, with methionine, which is neutral and non-polar, at codon 364 of the CHEK2 protein (p.Ile364Met). This variant is not present in population databases (gnomAD no frequency). This variant has not been reported in the literature in individuals affected with CHEK2-related conditions. ClinVar contains an entry for this variant (Variation ID: 3226016). An algorithm developed to predict the effect of missense changes on protein structure and function (PolyPhen-2) suggests that this variant is likely to be disruptive. In summary, the available evidence is currently insufficient to determine the role of this variant in disease. Therefore, it has been classified as a Variant of Uncertain Significance.

Ambry Genetics
Classification: Uncertain significance for Hereditary cancer-predisposing syndrome. Last evaluated: 2024-02-01. Review status: criteria provided, single submitter. Criteria: Ambry Variant Classification Scheme 2023. Collection method: clinical testing. Allele origin: germline.
Comment: The p.I364M variant (also known as c.1092A>G), located in coding exon 9 of the CHEK2 gene, results from an A to G substitution at nucleotide position 1092. The isoleucine at codon 364 is replaced by methionine, an amino acid with highly similar properties. This amino acid position is conserved. In addition, the in silico prediction for this alteration is inconclusive. Based on the available evidence, the clinical significance of this alteration remains unclear.